The following is an entry in ClinVar:

NM_001128205.2(SULF1):c.101T>C (p.Ile34Thr)

Gene: SULF1 (sulfatase 1; plus strand). Cytogenetic location: 8q13.2.
Variant type: single nucleotide variant.
Coding change: c.101T>C on transcript NM_001128205.2 (MANE Select); coding-DNA position 101, T replaced by C.
Protein change: p.Ile34Thr; replaces isoleucine 34 with threonine.
Molecular consequence: missense variant. On other transcripts: 5 prime UTR variant (5), non-coding transcript variant (6).
Genome position (GRCh38, 1-based): chr8:69,564,076, T>C. VCF-style: chr8-69564076-T-C. GRCh37 (hg19) VCF-style: chr8-70476311-T-C.
Other names: c.101T>C, p.Ile34Thr (NM_001412835.1, NM_001412836.1, NM_001412837.1 and 18 more transcripts); c.-109T>C (NM_001412841.1, NM_001412842.1); c.-426T>C (NM_001412844.1, NM_001412845.1); c.-1601T>C (NM_001412846.1); short protein forms I34T.
Identifiers: ClinVar variation 3683671 (VCV003683671.2).

ClinVar aggregate classification (germline): Uncertain significance (1 of 4 stars; one submission).

gnomAD v4.1: 11 of 1,614,062 alleles (0.00068%); highest among the groups gnomAD compares: South Asian, 0.0077%; no homozygotes.

Submission:

Labcorp Genetics (formerly Invitae), Labcorp
Classification: Uncertain significance. Last evaluated: 2025-01-08. Review status: criteria provided, single submitter. Criteria: Invitae Variant Classification Sherloc (09022015). Collection method: clinical testing. Allele origin: germline.
Comment: This sequence change replaces isoleucine, which is neutral and non-polar, with threonine, which is neutral and polar, at codon 34 of the SULF1 protein (p.Ile34Thr). This variant is present in population databases (rs755111057, gnomAD 0.006%). This variant has not been reported in the literature in individuals affected with SULF1-related conditions. An algorithm developed to predict the effect of missense changes on protein structure and function outputs the following: PolyPhen-2: "Benign". The threonine amino acid residue is found in multiple mammalian species, which suggests that this missense change does not adversely affect protein function. In summary, the available evidence is currently insufficient to determine the role of this variant in disease. Therefore, it has been classified as a Variant of Uncertain Significance.